The following is an entry in ClinVar:

ClinVar aggregate classification (germline): Uncertain significance (1 of 4 stars; one submission).

Conditions:
Spastic paraplegia. Identifiers: MedGen C0037772, HP:0001258.

Allele frequency attached by ClinVar (database versions not stated): TOPMed below 0.00001; gnomAD 0.00001.

Submission:

Labcorp Genetics (formerly Invitae), Labcorp
Classification: Uncertain significance for Spastic paraplegia. Last evaluated: 2021-08-14. Review status: criteria provided, single submitter. Criteria: Invitae Variant Classification Sherloc (09022015). Collection method: clinical testing. Allele origin: germline.
Comment: This sequence change replaces tyrosine with histidine at codon 385 of the CYP7B1 protein (p.Tyr385His). The tyrosine residue is moderately conserved and there is a moderate physicochemical difference between tyrosine and histidine. This variant is not present in population databases (ExAC no frequency). This variant has not been reported in the literature in individuals affected with CYP7B1-related conditions. Algorithms developed to predict the effect of missense changes on protein structure and function are either unavailable or do not agree on the potential impact of this missense change (SIFT: "Deleterious"; PolyPhen-2: "Possibly Damaging"; Align-GVGD: "Class C0"). In summary, the available evidence is currently insufficient to determine the role of this variant in disease. Therefore, it has been classified as a Variant of Uncertain Significance.

NM_004820.5(CYP7B1):c.1153T>C (p.Tyr385His)

Gene: CYP7B1 (cytochrome P450 family 7 subfamily B member 1; minus strand). Cytogenetic location: 8q12.3.
Variant type: single nucleotide variant.
Coding change: c.1153T>C on transcript NM_004820.5 (MANE Select); coding-DNA position 1153, T replaced by C.
Protein change: p.Tyr385His; replaces tyrosine 385 with histidine.
Molecular consequence: missense variant.
Genome position (GRCh38, 1-based): chr8:64,604,762, A>G on the plus strand (T>C on the coding strand, the complement: CYP7B1 is on the minus strand). VCF-style: chr8-64604762-A-G. GRCh37 (hg19) VCF-style: chr8-65517319-A-G.
Other names: c.1153T>C, p.Tyr385His (NM_001324112.2); short protein forms Y385H.
Identifiers: ClinVar variation 1365751 (VCV001365751.5), dbSNP rs1805252495, ClinGen allele CA371334156.